The following is an entry in ClinVar:

ClinVar aggregate classification (germline): Uncertain significance (1 of 4 stars; one submission).

Conditions:
Charcot-Marie-Tooth disease recessive intermediate C. Also called: CHARCOT-MARIE-TOOTH NEUROPATHY, RECESSIVE INTERMEDIATE C. Identifiers: Orphanet 369867, MedGen C3809309, MONDO:0014154, OMIM 615376.
Neuronopathy, distal hereditary motor, autosomal recessive 4. Also called: Autosomal recessive lower motor neuron disease with childhood onset; NEUROPATHY, DISTAL HEREDITARY MOTOR, AUTOSOMAL RECESSIVE 4. Identifiers: Orphanet 206580, MedGen C1970211, MONDO:0012608, OMIM 611067.

gnomAD v4.1: 2 of 1,611,272 alleles (0.00012%); highest among the groups gnomAD compares: Non-Finnish European, 0.00017%; no homozygotes.

Submission:

Labcorp Genetics (formerly Invitae), Labcorp
Classification: Uncertain significance for Neuronopathy, distal hereditary motor, autosomal recessive 4; Charcot-Marie-Tooth disease recessive intermediate C. Last evaluated: 2022-08-31. Review status: criteria provided, single submitter. Criteria: Invitae Variant Classification Sherloc (09022015). Collection method: clinical testing. Allele origin: germline.
Comment: This sequence change replaces glycine, which is neutral and non-polar, with cysteine, which is neutral and slightly polar, at codon 810 of the PLEKHG5 protein (p.Gly810Cys). This variant is present in population databases (no rsID available, gnomAD 0.01%). This variant has not been reported in the literature in individuals affected with PLEKHG5-related conditions. ClinVar contains an entry for this variant (Variation ID: 640329). Algorithms developed to predict the effect of missense changes on protein structure and function output the following: SIFT: "Tolerated"; PolyPhen-2: "Benign"; Align-GVGD: "Class C0". The cysteine amino acid residue is found in multiple mammalian species, which suggests that this missense change does not adversely affect protein function. In summary, the available evidence is currently insufficient to determine the role of this variant in disease. Therefore, it has been classified as a Variant of Uncertain Significance.

NM_020631.6(PLEKHG5):c.2428G>T (p.Gly810Cys)

Gene: PLEKHG5 (pleckstrin homology and RhoGEF domain containing G5; minus strand). Cytogenetic location: 1p36.31.
Variant type: single nucleotide variant.
Coding change: c.2428G>T on transcript NM_020631.6 (MANE Select); coding-DNA position 2428, G replaced by T.
Protein change: p.Gly810Cys; replaces glycine 810 with cysteine.
Molecular consequence: missense variant.
Genome position (GRCh38, 1-based): chr1:6,468,408, C>A on the plus strand (G>T on the coding strand, the complement: PLEKHG5 is on the minus strand). VCF-style: chr1-6468408-C-A. GRCh37 (hg19) VCF-style: chr1-6528468-C-A.
Other names: c.2539G>T, p.Gly847Cys (NM_001042663.3, NM_001265592.2); c.2428G>T, p.Gly810Cys (NM_001042664.2, NM_001042665.2, NM_001265594.3 and 1 more transcripts); c.2635G>T, p.Gly879Cys (NM_001265593.2); short protein forms G810C, G879C, G847C.
Identifiers: ClinVar variation 640329 (VCV000640329.6), dbSNP rs76625876, ClinGen allele CA338116987.